The following is an entry in ClinVar:

ClinVar aggregate classification (germline): Uncertain significance. Review status: criteria provided, multiple submitters, no conflicts (2 of 4 stars). 2 submissions from 2 submitters: Uncertain significance (2). Last evaluated 2025-03-03.

Conditions:
Inborn genetic diseases. Identifiers: MedGen C0950123, MeSH D030342.
Baller-Gerold syndrome (BGS). Also called: CRANIOSYNOSTOSIS WITH RADIAL DEFECTS. Identifiers: Orphanet 1225, MedGen C0265308, MONDO:0009039, OMIM 218600.

Allele frequency attached by ClinVar (database versions not stated): gnomAD exomes below 0.00001 and 0.00001.

Submissions (2):

Ambry Genetics
Classification: Uncertain significance for Inborn genetic diseases. Last evaluated: 2025-03-03. Review status: criteria provided, single submitter. Criteria: Ambry Variant Classification Scheme 2023. Collection method: clinical testing. Allele origin: germline.
Comment: The p.P875L variant (also known as c.2624C>T), located in coding exon 15 of the RECQL4 gene, results from a C to T substitution at nucleotide position 2624. The proline at codon 875 is replaced by leucine, an amino acid with similar properties. This amino acid position is conserved. In addition, this alteration is predicted to be tolerated by in silico analysis. Based on the available evidence, the clinical significance of this variant remains unclear.

Labcorp Genetics (formerly Invitae), Labcorp
Classification: Uncertain significance for Baller-Gerold syndrome. Last evaluated: 2024-08-06. Review status: criteria provided, single submitter. Criteria: Invitae Variant Classification Sherloc (09022015). Collection method: clinical testing. Allele origin: germline.
Comment: This sequence change replaces proline, which is neutral and non-polar, with leucine, which is neutral and non-polar, at codon 875 of the RECQL4 protein (p.Pro875Leu). The frequency data for this variant in the population databases is considered unreliable, as metrics indicate poor data quality at this position in the gnomAD database. This variant has not been reported in the literature in individuals affected with RECQL4-related conditions. ClinVar contains an entry for this variant (Variation ID: 459418). Experimental studies and prediction algorithms are not available or were not evaluated, and the functional significance of this variant is currently unknown. In summary, the available evidence is currently insufficient to determine the role of this variant in disease. Therefore, it has been classified as a Variant of Uncertain Significance.

NM_004260.4(RECQL4):c.2624C>T (p.Pro875Leu)

Gene: RECQL4 (RecQ like helicase 4; minus strand). Cytogenetic location: 8q24.3.
Variant type: single nucleotide variant.
Coding change: c.2624C>T on transcript NM_004260.4 (MANE Select); coding-DNA position 2624, C replaced by T.
Protein change: p.Pro875Leu; replaces proline 875 with leucine.
Molecular consequence: missense variant.
Genome position (GRCh38, 1-based): chr8:144,512,978, G>A on the plus strand (C>T on the coding strand, the complement: RECQL4 is on the minus strand). VCF-style: chr8-144512978-G-A. GRCh37 (hg19) VCF-style: chr8-145738361-G-A.
Other names: short protein forms P875L.
Identifiers: ClinVar variation 459418 (VCV000459418.7), dbSNP rs1249837985, ClinGen allele CA372676807.